The following is an entry in ClinVar:

NM_001197104.2(KMT2A):c.952CTC[1] (p.Leu319del)

Gene: KMT2A (lysine methyltransferase 2A; plus strand). Cytogenetic location: 11q23.3.
Variant type: Microsatellite.
Coding change: c.952CTC[1] on transcript NM_001197104.2 (MANE Select); one copy of the 3-base unit CTC starting at c.952; the reference has two copies in a row; one copy, 3 bases deleted.
Protein change: p.Leu319del; deletes leucine 319.
Genome position (GRCh38, 1-based): chr11:118,472,114-118,472,116, CTC deleted; deleting any 3 consecutive bases within chr11:118,472,111-118,472,116 gives the same sequence; the position shown is the placement nearest the transcript's 3' end. VCF-style (leftmost placement, unchanged base first): chr11-118472110-TCTC-T. GRCh37 (hg19) VCF-style: chr11-118342825-TCTC-T.
Other names: c.1051CTC[1], p.Leu352del (NM_001412597.1); c.952CTC[1], p.Leu319del (NM_005933.4); short protein forms L319del, L352del.
Identifiers: ClinVar variation 3659911 (VCV003659911.2).

ClinVar aggregate classification (germline): Uncertain significance (1 of 4 stars; one submission).

Submission:

Labcorp Genetics (formerly Invitae), Labcorp
Classification: Uncertain significance. Last evaluated: 2025-12-06. Review status: criteria provided, single submitter. Criteria: Invitae Variant Classification Sherloc (09022015). Collection method: clinical testing. Allele origin: germline.
Comment: This variant, c.955_957del, results in the deletion of 1 amino acid(s) of the KMT2A protein (p.Leu319del), but otherwise preserves the integrity of the reading frame. This variant is not present in population databases (gnomAD no frequency). This variant has not been reported in the literature in individuals affected with KMT2A-related conditions. Experimental studies and prediction algorithms are not available or were not evaluated, and the functional significance of this variant is currently unknown. In summary, the available evidence is currently insufficient to determine the role of this variant in disease. Therefore, it has been classified as a Variant of Uncertain Significance.